The following is an entry in ClinVar:

NM_024753.5(TTC21B):c.2228T>A (p.Val743Glu)

Gene: TTC21B (tetratricopeptide repeat domain 21B; minus strand). Cytogenetic location: 2q24.3.
Variant type: single nucleotide variant.
Coding change: c.2228T>A on transcript NM_024753.5 (MANE Select); coding-DNA position 2228, T replaced by A.
Protein change: p.Val743Glu; replaces valine 743 with glutamic acid.
Molecular consequence: missense variant.
Genome position (GRCh38, 1-based): chr2:165,912,608, A>T on the plus strand (T>A on the coding strand, the complement: TTC21B is on the minus strand). VCF-style: chr2-165912608-A-T. GRCh37 (hg19) VCF-style: chr2-166769118-A-T.
Other names: c.2228T>A (NM_024753.4); short protein forms V743E.
Identifiers: ClinVar variation 3184161 (VCV003184161.2), dbSNP rs1335725291, ClinGen allele CA349057987.

ClinVar aggregate classification (germline): Uncertain significance. Review status: criteria provided, single submitter (1 of 4 stars). 2 submissions from 2 submitters: Uncertain significance (1). 1 of the submissions does not count toward it. Last evaluated 2024-02-21.

Conditions:
Inborn genetic diseases. Identifiers: MedGen C0950123, MeSH D030342.
TTC21B-related disorder. Also called: TTC21B-related disorders; TTC21B-related condition.

Allele frequency attached by ClinVar (database versions not stated): gnomAD 0.00001.
gnomAD v4.1: 2 of 1,613,958 alleles (0.00012%); highest among the groups gnomAD compares: East Asian, 0.0045%; no homozygotes.

Submissions (2):

Ambry Genetics
Classification: Uncertain significance for Inborn genetic diseases. Last evaluated: 2024-02-21. Review status: criteria provided, single submitter. Criteria: Ambry Variant Classification Scheme 2023. Collection method: clinical testing. Allele origin: germline.

PreventionGenetics, part of Exact Sciences
Classification: Uncertain significance for TTC21B-related condition. Last evaluated: 2024-07-18. Review status: no assertion criteria provided. Collection method: clinical testing. Allele origin: germline. Not counted in ClinVar's aggregate classification.
Comment: The TTC21B c.2228T>A variant is predicted to result in the amino acid substitution p.Val743Glu. To our knowledge, this variant has not been reported in the literature. This variant is reported in 0.015% of alleles in individuals of East Asian descent in gnomAD. At this time, the clinical significance of this variant is uncertain due to the absence of conclusive functional and genetic evidence.